The following is an entry in ClinVar:

ClinVar aggregate classification (germline): Uncertain significance (1 of 4 stars; one submission).

gnomAD v4.1: 1 of 1,611,970 alleles (0.000062%); highest among the groups gnomAD compares: Admixed American, 0.0017%; no homozygotes.

Submission:

Labcorp Genetics (formerly Invitae), Labcorp
Classification: Uncertain significance. Last evaluated: 2022-07-26. Review status: criteria provided, single submitter. Criteria: Invitae Variant Classification Sherloc (09022015). Collection method: clinical testing. Allele origin: germline.
Comment: This sequence change replaces glutamic acid, which is acidic and polar, with glutamine, which is neutral and polar, at codon 139 of the CACNA2D4 protein (p.Glu139Gln). This variant is not present in population databases (gnomAD no frequency). This variant has not been reported in the literature in individuals affected with CACNA2D4-related conditions. ClinVar contains an entry for this variant (Variation ID: 937421). Algorithms developed to predict the effect of missense changes on protein structure and function are either unavailable or do not agree on the potential impact of this missense change (SIFT: "Deleterious"; PolyPhen-2: "Benign"; Align-GVGD: "Class C0"). In summary, the available evidence is currently insufficient to determine the role of this variant in disease. Therefore, it has been classified as a Variant of Uncertain Significance.

NM_172364.5(CACNA2D4):c.415G>C (p.Glu139Gln)

Gene: CACNA2D4 (calcium voltage-gated channel auxiliary subunit alpha2delta 4; minus strand). Cytogenetic location: 12p13.33.
Variant type: single nucleotide variant.
Coding change: c.415G>C on transcript NM_172364.5 (MANE Select); coding-DNA position 415, G replaced by C.
Protein change: p.Glu139Gln; replaces glutamic acid 139 with glutamine.
Molecular consequence: missense variant.
Genome position (GRCh38, 1-based): chr12:1,913,034, C>G on the plus strand (G>C on the coding strand, the complement: CACNA2D4 is on the minus strand). VCF-style: chr12-1913034-C-G. GRCh37 (hg19) VCF-style: chr12-2022200-C-G.
Other names: short protein forms E139Q.
Identifiers: ClinVar variation 937421 (VCV000937421.9), dbSNP rs759939564, ClinGen allele CA383364872.